The following is an entry in ClinVar:

ClinVar aggregate classification (germline): Uncertain significance (1 of 4 stars; one submission).

Conditions:
Myofibrillar myopathy 4. Also called: Zaspopathy (type). Identifiers: Orphanet 98912, MedGen C4721886, MONDO:0012277, OMIM 609452.

gnomAD v4.1: 1 of 1,614,106 alleles (0.000062%); no homozygotes.

Submission:

Labcorp Genetics (formerly Invitae), Labcorp
Classification: Uncertain significance for Myofibrillar myopathy 4. Last evaluated: 2024-09-17. Review status: criteria provided, single submitter. Criteria: Invitae Variant Classification Sherloc (09022015). Collection method: clinical testing. Allele origin: germline.
Comment: This sequence change replaces serine, which is neutral and polar, with arginine, which is basic and polar, at codon 182 of the LDB3 protein (p.Ser182Arg). This variant is not present in population databases (gnomAD no frequency). This variant has not been reported in the literature in individuals affected with LDB3-related conditions. An algorithm developed to predict the effect of missense changes on protein structure and function (PolyPhen-2) suggests that this variant is likely to be tolerated. In summary, the available evidence is currently insufficient to determine the role of this variant in disease. Therefore, it has been classified as a Variant of Uncertain Significance.

NM_001368067.1(LDB3):c.544A>C (p.Ser182Arg)

Genes: LDB3 (LIM domain binding 3; plus strand), LOC110121486 (VISTA enhancer hs2143; plus strand). Cytogenetic location: 10q23.2.
Variant type: single nucleotide variant.
Coding change: c.544A>C on transcript NM_001368067.1 (MANE Plus Clinical); coding-DNA position 544, A replaced by C.
Protein change: p.Ser182Arg; replaces serine 182 with arginine.
Molecular consequence: missense variant. On other transcripts: intron variant (5).
Genome position (GRCh38, 1-based): chr10:86,687,268, A>C. VCF-style: chr10-86687268-A-C. GRCh37 (hg19) VCF-style: chr10-88447025-A-C.
Other names: c.544A>C, p.Ser182Arg (NM_001080114.2, NM_001080116.1, NM_001368066.1 and 1 more transcripts); c.889A>C, p.Ser297Arg (NM_001171610.2, NM_001171611.2); c.690-4628A>C (NM_001368064.1, NM_001368063.1, NM_007078.3 and 2 more transcripts); short protein forms S182R, S297R.
Identifiers: ClinVar variation 3614252 (VCV003614252.2).